The following is an entry in ClinVar:

NM_018368.4(LMBRD1):c.1251dup (p.Leu418fs)

Gene: LMBRD1 (LMBR1 domain containing 1; minus strand). Cytogenetic location: 6q13.
Variant type: Duplication.
Coding change: c.1251dup on transcript NM_018368.4 (MANE Select); coding-DNA position 1251, one base duplicated (T; older notation c.1251dupT).
Protein change: p.Leu418fs; shifts the reading frame from leucine 418.
Molecular consequence: frameshift variant.
Genome position (GRCh38, 1-based): chr6:69,699,130, A duplicated on the plus strand (T on the coding strand, the reverse complement: LMBRD1 is on the minus strand); the first of 2 consecutive A bases (chr6:69,699,130-69,699,131); duplicating either gives the same sequence. VCF-style (leftmost placement, unchanged base first): chr6-69699129-G-GA. GRCh37 (hg19) VCF-style: chr6-70409021-G-GA.
Other names: c.1032dup, p.Leu345fs (NM_001363722.2, NM_001367271.1, NM_001367272.1); short protein forms L345fs, L418fs.
Identifiers: ClinVar variation 3010436 (VCV003010436.3), dbSNP rs867010959, ClinGen allele CA140839353.

ClinVar aggregate classification (germline): Pathogenic (1 of 4 stars; one submission).

Conditions:
Methylmalonic aciduria and homocystinuria type cblF. Also called: COBALAMIN F DISEASE; COBALAMIN, DEFECT IN LYSOSOMAL RELEASE OF; METHYLMALONIC ACIDEMIA AND HOMOCYSTINURIA, cblF TYPE; METHYLMALONIC ACIDURIA DUE TO VITAMIN B12-RELEASE DEFECT; VITAMIN B12 LYSOSOMAL RELEASE DEFECT; VITAMIN B12 STORAGE DISEASE. Identifiers: Orphanet 79284, MedGen C1848578, MONDO:0010183, OMIM 277380.

Submission:

Labcorp Genetics (formerly Invitae), Labcorp
Classification: Pathogenic for Methylmalonic aciduria and homocystinuria type cblF. Last evaluated: 2023-12-05. Review status: criteria provided, single submitter. Criteria: Invitae Variant Classification Sherloc (09022015). Collection method: clinical testing. Allele origin: germline.
Comment: This sequence change creates a premature translational stop signal (p.Leu418Serfs*8) in the LMBRD1 gene. It is expected to result in an absent or disrupted protein product. Loss-of-function variants in LMBRD1 are known to be pathogenic (PMID: 19136951, 21303734). This variant is not present in population databases (gnomAD no frequency). This variant has not been reported in the literature in individuals affected with LMBRD1-related conditions. For these reasons, this variant has been classified as Pathogenic.

Literature cited by the submitters: PubMed 19136951; PubMed 21303734.